The following is an entry in ClinVar:

ClinVar aggregate classification (germline): Conflicting classifications of pathogenicity. Review status: criteria provided, conflicting classifications (1 of 4 stars). 4 submissions from 4 submitters: Uncertain significance (3); Likely benign (1). Last evaluated 2026-01-09.

Conditions:
Autosomal recessive nonsyndromic hearing loss 31. Also called: WHIRLER, MOUSE, HOMOLOG OF. Identifiers: Orphanet 90636, MedGen C1846839, MONDO:0011767, OMIM 607084.
Usher syndrome type 2D. Also called: USHER SYNDROME, TYPE IID. Identifiers: Orphanet 231178, Orphanet 886, MedGen C1568249, MONDO:0012662, OMIM 611383.

Allele frequency attached by ClinVar (database versions not stated): gnomAD exomes 0.00007 and 0.00017; ESP Exome Variant Server 0.00008; gnomAD 0.00010 and 0.00012; TOPMed 0.00014; ExAC 0.00015; 1000 Genomes Project 30x 0.00016; 1000 Genomes Project 0.00020.
gnomAD v4.1: 122 of 1,610,284 alleles (0.0076%); highest among the groups gnomAD compares: East Asian, 0.051%; 1 homozygote.

Submissions (4):

GeneDx
Classification: Uncertain significance. Last evaluated: 2026-01-09. Review status: criteria provided, single submitter. Criteria: GeneDx Variant Classification Process June 2021. Collection method: clinical testing. Allele origin: germline. Affected: yes.
Comment: In silico analysis suggests that this missense variant does not alter protein structure/function; Has not been previously published as pathogenic or benign to our knowledge

Blueprint Genetics
Classification: Likely benign. Last evaluated: 2024-11-25. Review status: criteria provided, single submitter. Criteria: ACMG Guidelines, 2015. Collection method: clinical testing. Allele origin: germline.

Labcorp Genetics (formerly Invitae), Labcorp
Classification: Uncertain significance. Last evaluated: 2022-10-13. Review status: criteria provided, single submitter. Criteria: Invitae Variant Classification Sherloc (09022015). Collection method: clinical testing. Allele origin: germline.
Comment: This sequence change replaces alanine, which is neutral and non-polar, with threonine, which is neutral and polar, at codon 667 of the WHRN protein (p.Ala667Thr). This variant is present in population databases (rs202161016, gnomAD 0.08%). This variant has not been reported in the literature in individuals affected with WHRN-related conditions. ClinVar contains an entry for this variant (Variation ID: 850354). Algorithms developed to predict the effect of missense changes on protein structure and function output the following: SIFT: "Tolerated"; PolyPhen-2: "Benign"; Align-GVGD: "Class C0". The threonine amino acid residue is found in multiple mammalian species, which suggests that this missense change does not adversely affect protein function. In summary, the available evidence is currently insufficient to determine the role of this variant in disease. Therefore, it has been classified as a Variant of Uncertain Significance.

Fulgent Genetics
Classification: Uncertain significance for Autosomal recessive nonsyndromic hearing loss 31; Usher syndrome type 2D. Last evaluated: 2021-08-04. Review status: criteria provided, single submitter. Criteria: ACMG Guidelines, 2015. Collection method: clinical testing. Allele origin: unknown.

NM_015404.4(WHRN):c.1999G>A (p.Ala667Thr)

Gene: WHRN (whirlin; minus strand). Cytogenetic location: 9q32.
Variant type: single nucleotide variant.
Coding change: c.1999G>A on transcript NM_015404.4 (MANE Select); coding-DNA position 1999, G replaced by A.
Protein change: p.Ala667Thr; replaces alanine 667 with threonine.
Molecular consequence: missense variant.
Genome position (GRCh38, 1-based): chr9:114,406,592, C>T on the plus strand (G>A on the coding strand, the complement: WHRN is on the minus strand). VCF-style: chr9-114406592-C-T. GRCh37 (hg19) VCF-style: chr9-117168872-C-T.
Other names: c.850G>A, p.Ala284Thr (NM_001083885.3); c.1999G>A, p.Ala667Thr (NM_001173425.2); c.946G>A, p.Ala316Thr (NM_001346890.1); c.1999G>A (NM_015404.2); short protein forms A316T, A284T, A667T.
Identifiers: ClinVar variation 850354 (VCV000850354.9), dbSNP rs202161016, ClinGen allele CA5205761.